The following is an entry in ClinVar:

NM_000135.4(FANCA):c.355T>C (p.Ser119Pro)

Gene: FANCA (FA complementation group A; minus strand). Cytogenetic location: 16q24.3.
Variant type: single nucleotide variant.
Coding change: c.355T>C on transcript NM_000135.4 (MANE Select); coding-DNA position 355, T replaced by C.
Protein change: p.Ser119Pro; replaces serine 119 with proline.
Molecular consequence: missense variant.
Genome position (GRCh38, 1-based): chr16:89,811,000, A>G on the plus strand (T>C on the coding strand, the complement: FANCA is on the minus strand). VCF-style: chr16-89811000-A-G. GRCh37 (hg19) VCF-style: chr16-89877408-A-G.
Other names: c.355T>C, p.Ser119Pro (NM_001018112.3, NM_001286167.3, NM_001351830.2); short protein forms S119P.
Identifiers: ClinVar variation 4254194 (VCV004254194.1).

ClinVar aggregate classification (germline): Uncertain significance (1 of 4 stars; one submission).

Conditions:
Inborn genetic diseases. Identifiers: MedGen C0950123, MeSH D030342.

gnomAD v4.1: 3 of 1,614,086 alleles (0.00019%); highest among the groups gnomAD compares: Admixed American, 0.0033%; no homozygotes.

Submission:

Ambry Genetics
Classification: Uncertain significance for Inborn genetic diseases. Last evaluated: 2025-07-12. Review status: criteria provided, single submitter. Criteria: Ambry Variant Classification Scheme 2023. Collection method: clinical testing. Allele origin: germline.
Comment: The p.S119P variant (also known as c.355T>C), located in coding exon 4 of the FANCA gene, results from a T to C substitution at nucleotide position 355. The serine at codon 119 is replaced by proline, an amino acid with similar properties. This amino acid position is conserved. In addition, this alteration is predicted to be tolerated by in silico analysis. Based on the available evidence, the clinical significance of this variant remains unclear.